The following is an entry in ClinVar:

ClinVar aggregate classification (germline): Uncertain significance (1 of 4 stars; one submission).

Conditions:
Lymphoproliferative syndrome 1 (LPFS1). Identifiers: Orphanet 238505, Orphanet 538963, MedGen C3552634, MONDO:0013081, OMIM 613011.

Submission:

Labcorp Genetics (formerly Invitae), Labcorp
Classification: Uncertain significance for Lymphoproliferative syndrome 1. Last evaluated: 2019-01-28. Review status: criteria provided, single submitter. Criteria: Invitae Variant Classification Sherloc (09022015). Collection method: clinical testing. Allele origin: germline.
Comment: This sequence change replaces lysine with asparagine at codon 47 of the ITK protein (p.Lys47Asn). The lysine residue is highly conserved and there is a moderate physicochemical difference between lysine and asparagine. This variant is not present in population databases (ExAC no frequency). In summary, the available evidence is currently insufficient to determine the role of this variant in disease. Therefore, it has been classified as a Variant of Uncertain Significance. Algorithms developed to predict the effect of missense changes on protein structure and function are either unavailable or do not agree on the potential impact of this missense change (SIFT: "Deleterious"; PolyPhen-2: "Possibly Damaging"; Align-GVGD: "Class C0"). This variant has not been reported in the literature in individuals with ITK-related conditions.

NM_005546.4(ITK):c.141G>C (p.Lys47Asn)

Gene: ITK (IL2 inducible T cell kinase; plus strand). Cytogenetic location: 5q33.3.
Variant type: single nucleotide variant.
Coding change: c.141G>C on transcript NM_005546.4 (MANE Select); coding-DNA position 141, G replaced by C.
Protein change: p.Lys47Asn; replaces lysine 47 with asparagine.
Molecular consequence: missense variant.
Genome position (GRCh38, 1-based): chr5:157,208,891, G>C. VCF-style: chr5-157208891-G-C. GRCh37 (hg19) VCF-style: chr5-156635902-G-C.
Other names: short protein forms K47N.
Identifiers: ClinVar variation 855763 (VCV000855763.9), dbSNP rs772972728, ClinGen allele CA361947229.
Genomic context (GRCh38, chr5:157,208,891, plus strand): 5'-CTGGACAAAAATATTGTCTTCTTTCTTACATGAATGGGATGTTCTTCTCTCCCCACAGAA[G>C]AAGCGCACGCTGAAGGGGTCCATTGAGCTCTCCCGAATCAAATGTGTTGAGATTGTGAAA-3'
Protein context (NP_005537.3, residues 37-57): SLAYFEDRHG[Lys47Asn]KRTLKGSIEL